The following is an entry in ClinVar:

NM_001283009.2(RTEL1):c.3073G>A (p.Gly1025Ser)

Genes: RTEL1-TNFRSF6B (RTEL1-TNFRSF6B readthrough (NMD candidate); plus strand), RTEL1 (regulator of telomere elongation helicase 1; plus strand). Cytogenetic location: 20q13.33.
Variant type: single nucleotide variant.
Coding change: c.3073G>A on transcript NM_001283009.2 (MANE Select); coding-DNA position 3073, G replaced by A.
Protein change: p.Gly1025Ser; replaces glycine 1025 with serine.
Molecular consequence: missense variant. On other transcripts: non-coding transcript variant (1).
Genome position (GRCh38, 1-based): chr20:63,694,452, G>A. VCF-style: chr20-63694452-G-A. GRCh37 (hg19) VCF-style: chr20-62325805-G-A.
Other names: c.2404G>A, p.Gly802Ser (NM_001283010.1); c.3073G>A, p.Gly1025Ser (NM_016434.4); c.3145G>A, p.Gly1049Ser (NM_032957.5); short protein forms G802S, G1049S, G1025S.
Identifiers: ClinVar variation 960246 (VCV000960246.8), dbSNP rs1483445218, ClinGen allele CA409684605.
Genomic context (GRCh38, chr20:63,694,452, plus strand): 5'-AAGCTGACCGTGTCCACGGCTGCAGCCCAGCAGCTGGACCCCCAAGAGCACCTGAACCAG[G>A]GCAGGCCCCACCTGTCGCCCAGGCCACCCCCAACAGGTAGCTGACTCCTGAACCGTGTGC-3'
Protein context (NP_001269938.1, residues 1015-1035): QLDPQEHLNQ[Gly1025Ser]RPHLSPRPPP

ClinVar aggregate classification (germline): Uncertain significance. Review status: criteria provided, multiple submitters, no conflicts (2 of 4 stars). 2 submissions from 2 submitters: Uncertain significance (2). Last evaluated 2025-02-24.

Conditions:
Inborn genetic diseases. Identifiers: MedGen C0950123, MeSH D030342.
Dyskeratosis congenita, autosomal recessive 5 (DKCB5). Identifiers: MedGen C3554656, MONDO:0014076, OMIM 615190.
Pulmonary fibrosis and/or bone marrow failure, Telomere-related, 3. Also called: PULMONARY FIBROSIS AND/OR BONE MARROW FAILURE SYNDROME, TELOMERE-RELATED, 3. Identifiers: Orphanet 2032, MedGen C4225346, MONDO:0014613, OMIM 616373.

Allele frequency attached by ClinVar (database versions not stated): TOPMed below 0.00001; gnomAD 0.00001; gnomAD exomes below 0.00001.
gnomAD v4.1: 3 of 1,609,012 alleles (0.00019%); highest among the groups gnomAD compares: Non-Finnish European, 0.00025%; no homozygotes.

Submissions (2):

Ambry Genetics
Classification: Uncertain significance for Inborn genetic diseases. Last evaluated: 2025-02-24. Review status: criteria provided, single submitter. Criteria: Ambry Variant Classification Scheme 2023. Collection method: clinical testing. Allele origin: germline.
Comment: The p.G1025S variant (also known as c.3073G>A), located in coding exon 30 of the RTEL1 gene, results from a G to A substitution at nucleotide position 3073. The glycine at codon 1025 is replaced by serine, an amino acid with similar properties. This amino acid position is conserved. In addition, the in silico prediction for this alteration is inconclusive. Based on the available evidence, the clinical significance of this variant remains unclear.

Labcorp Genetics (formerly Invitae), Labcorp
Classification: Uncertain significance for Dyskeratosis congenita, autosomal recessive 5; Pulmonary fibrosis and/or bone marrow failure, Telomere-related, 3. Last evaluated: 2021-09-01. Review status: criteria provided, single submitter. Criteria: Invitae Variant Classification Sherloc (09022015). Collection method: clinical testing. Allele origin: germline.
Comment: This sequence change replaces glycine with serine at codon 1025 of the RTEL1 protein (p.Gly1025Ser). The glycine residue is moderately conserved and there is a small physicochemical difference between glycine and serine. This variant is not present in population databases (ExAC no frequency). This variant has not been reported in the literature in individuals affected with RTEL1-related conditions. Algorithms developed to predict the effect of missense changes on protein structure and function are either unavailable or do not agree on the potential impact of this missense change (SIFT: "Deleterious"; PolyPhen-2: "Probably Damaging"; Align-GVGD: "Class C0"). In summary, the available evidence is currently insufficient to determine the role of this variant in disease. Therefore, it has been classified as a Variant of Uncertain Significance.